The following is an entry in ClinVar:

ClinVar aggregate classification (germline): Uncertain significance (1 of 4 stars; one submission).

Conditions:
DNMBP-related disorder. Also called: DNMBP-related condition.

Allele frequency attached by ClinVar (database versions not stated): gnomAD 0.00001; gnomAD exomes 0.00001; TOPMed 0.00001.
gnomAD v4.1: 4 of 702,846 alleles (0.00057%); highest among the groups gnomAD compares: African/African-American, 0.0017%; no homozygotes.

Submission:

PreventionGenetics, part of Exact Sciences
Classification: Uncertain significance for DNMBP-related condition. Last evaluated: 2023-01-03. Review status: criteria provided, single submitter. Criteria: ACMG Guidelines, 2015. Collection method: clinical testing. Allele origin: germline.
Comment: The DNMBP c.158G>A variant is predicted to result in premature protein termination (p.Trp53*). To our knowledge, this variant has not been reported in the literature. This variant is reported in 0.0038% of alleles in individuals of European (Non-Finnish) descent in gnomAD. At this time, the clinical significance of this variant is uncertain due to the absence of conclusive functional and genetic evidence.

NM_015221.4(DNMBP):c.2261-21460G>A

Genes: DNMBP (dynamin binding protein; minus strand), DNMBP-AS1 (DNMBP antisense RNA 1; plus strand). Cytogenetic location: 10q24.2.
Variant type: single nucleotide variant.
Coding change: c.2261-21460G>A on transcript NM_015221.4 (MANE Select); 21460 bases into the intron before coding-DNA position 2261, G replaced by A.
Molecular consequence: intron variant. On other transcripts: nonsense (1).
Genome position (GRCh38, 1-based): chr10:99,930,606, C>T on the plus strand (G>A on the coding strand, the complement: DNMBP is on the minus strand). VCF-style: chr10-99930606-C-T. GRCh37 (hg19) VCF-style: chr10-101690363-C-T.
Other names: c.158G>A, p.Trp53Ter (NM_001318326.2); short protein forms W53*.
Identifiers: ClinVar variation 2632105 (VCV002632105.1), dbSNP rs1409888200, ClinGen allele CA595456926.
Genomic context (GRCh38, chr10:99,930,606, plus strand): 5'-TGTTCAAAATCCCAGTATCCACAATCCCTTTTTCTGTAGGGCTGATGCTGTCCCTTGGCC[C>T]AGTACCTGGGATCCAAGTCATTTTCTCTGTAGAGTCCATCCAGCACTGTAAGGTTCCTTT-3'